The following is an entry in ClinVar:

ClinVar aggregate classification (germline): Benign/Likely benign. Review status: criteria provided, multiple submitters, no conflicts (2 of 4 stars). 2 submissions from 2 submitters: Benign (1); Likely benign (1). Last evaluated 2026-05-06.

Conditions:
Colorectal cancer, hereditary nonpolyposis, type 7. Identifiers: Orphanet 144, MedGen C1858380, MONDO:0013725, OMIM 614385.

gnomAD v4.1: 1 of 1,614,142 alleles (0.000062%); highest among the groups gnomAD compares: Non-Finnish European, 0.000085%; no homozygotes.

Submissions (2):

Myriad Genetics, Inc.
Classification: Benign for Colorectal cancer, hereditary nonpolyposis, type 7. Last evaluated: 2026-05-06. Review status: criteria provided, single submitter. Criteria: Myriad Autosomal Dominant, Autosomal Recessive and X-Linked Classification Criteria (2023). Collection method: clinical testing. Allele origin: unknown.
Comment: This variant is considered benign. This variant is a silent/synonymous amino acid change and it is not expected to impact splicing.

Ambry Genetics
Classification: Likely benign. Last evaluated: 2026-02-08. Review status: criteria provided, single submitter. Criteria: Ambry Variant Classification Scheme 2023. Collection method: clinical testing. Allele origin: germline.

NM_001040108.2(MLH3):c.4134C>T (p.Cys1378=)

Gene: MLH3 (mutL homolog 3; minus strand). Cytogenetic location: 14q24.3.
Variant type: single nucleotide variant.
Coding change: c.4134C>T on transcript NM_001040108.2 (MANE Select); coding-DNA position 4134, C replaced by T.
Protein change: p.Cys1378=; no amino-acid change (cysteine 1378 retained).
Molecular consequence: synonymous variant.
Genome position (GRCh38, 1-based): chr14:75,018,937, G>A on the plus strand (C>T on the coding strand, the complement: MLH3 is on the minus strand). VCF-style: chr14-75018937-G-A. GRCh37 (hg19) VCF-style: chr14-75485640-G-A.
Other names: c.4062C>T, p.Cys1354= (NM_014381.3).
Identifiers: ClinVar variation 4844635 (VCV004844635.2).